The following is an entry in ClinVar:

NM_004526.4(MCM2):c.2654_2655delinsAA (p.Leu885Gln)

Genes: MCM2 (minichromosome maintenance complex component 2; plus strand), LOC107986126 (uncharacterized LOC107986126; minus strand). Cytogenetic location: 3q21.3.
Variant type: Indel.
Coding change: c.2654_2655delinsAA on transcript NM_004526.4 (MANE Select); coding-DNA positions 2654 to 2655, TC replaced by AA.
Protein change: p.Leu885Gln; replaces leucine 885 with glutamine.
Molecular consequence: missense variant. On other transcripts: non-coding transcript variant (1).
Genome position (GRCh38, 1-based): chr3:127,621,712-127,621,713, TC replaced by AA. VCF-style: chr3-127621712-TC-AA. GRCh37 (hg19) VCF-style: chr3-127340555-TC-AA.
Other names: short protein forms L885Q.
Identifiers: ClinVar variation 4806143 (VCV004806143.1).
Genomic context (GRCh38, chr3:127,621,712, plus strand): 5'-CCTCCTTGCAGGCTCGTCAGATCAACATCCACAACCTCTCTGCATTTTATGACAGTGAGC[TC>AA]TTCAGGATGAACAAGTTCAGCCACGACCTGAAAAGGAAAATGATCCTGCAGCAGTTCTGA-3'
Protein context (NP_004517.2, residues 875-895): HNLSAFYDSE[Leu885Gln]FRMNKFSHDL

ClinVar aggregate classification (germline): Uncertain significance (1 of 4 stars; one submission).

Submission:

Labcorp Genetics (formerly Invitae), Labcorp
Classification: Uncertain significance. Last evaluated: 2025-12-15. Review status: criteria provided, single submitter. Criteria: Invitae Variant Classification Sherloc (09022015). Collection method: clinical testing. Allele origin: germline.
Comment: This sequence change replaces leucine, which is neutral and non-polar, with glutamine, which is neutral and polar, at codon 885 of the MCM2 protein (p.Leu885Gln). Information on the frequency of this variant in the gnomAD database is not available, as this variant may be reported differently in the database. This variant has not been reported in the literature in individuals affected with MCM2-related conditions. An algorithm developed to predict the effect of missense changes on protein structure and function (PolyPhen-2) suggests that this variant is likely to be disruptive. In summary, the available evidence is currently insufficient to determine the role of this variant in disease. Therefore, it has been classified as a Variant of Uncertain Significance.